The following is an entry in ClinVar:

ClinVar aggregate classification (germline): Likely benign (1 of 4 stars; one submission).

Allele frequency attached by ClinVar (database versions not stated): gnomAD 0.00003; TOPMed 0.00003.

Submission:

CeGaT Center for Human Genetics Tuebingen
Classification: Likely benign. Last evaluated: 2024-06-01. Review status: criteria provided, single submitter. Criteria: CeGaT Center For Human Genetics Tuebingen Variant Classification Criteria Version 2. Collection method: clinical testing. Allele origin: germline. Affected: yes. Observed: 2 variant alleles.
Comment: POLR2A: BP4, BP7

NM_000937.5(POLR2A):c.1245C>T (p.Gly415=)

Gene: POLR2A (RNA polymerase II subunit A; plus strand). Cytogenetic location: 17p13.1.
Variant type: single nucleotide variant.
Coding change: c.1245C>T on transcript NM_000937.5 (MANE Select); coding-DNA position 1245, C replaced by T.
Protein change: p.Gly415=; no amino-acid change (glycine 415 retained).
Molecular consequence: synonymous variant.
Genome position (GRCh38, 1-based): chr17:7,498,120, C>T. VCF-style: chr17-7498120-C-T. GRCh37 (hg19) VCF-style: chr17-7401439-C-T.
Identifiers: ClinVar variation 3025323 (VCV003025323.22), dbSNP rs769941878, ClinGen allele CA8349408.